The following is an entry in ClinVar:

ClinVar aggregate classification (germline): Uncertain significance (1 of 4 stars; one submission).

gnomAD v4.1: 114 of 1,549,598 alleles (0.0074%); highest among the groups gnomAD compares: Non-Finnish European, 0.0094%; no homozygotes.

Submission:

Labcorp Genetics (formerly Invitae), Labcorp
Classification: Uncertain significance. Last evaluated: 2025-06-12. Review status: criteria provided, single submitter. Criteria: Invitae Variant Classification Sherloc (09022015). Collection method: clinical testing. Allele origin: germline.
Comment: This sequence change replaces arginine, which is basic and polar, with histidine, which is basic and polar, at codon 561 of the SLIT2 protein (p.Arg561His). This variant is present in population databases (rs767080078, gnomAD 0.01%). This variant has not been reported in the literature in individuals affected with SLIT2-related conditions. ClinVar contains an entry for this variant (Variation ID: 3630582). An algorithm developed to predict the effect of missense changes on protein structure and function (PolyPhen-2) suggests that this variant is likely to be disruptive. In summary, the available evidence is currently insufficient to determine the role of this variant in disease. Therefore, it has been classified as a Variant of Uncertain Significance.

NM_004787.4(SLIT2):c.1682G>A (p.Arg561His)

Gene: SLIT2 (slit guidance ligand 2; plus strand). Cytogenetic location: 4p15.31.
Variant type: single nucleotide variant.
Coding change: c.1682G>A on transcript NM_004787.4 (MANE Select); coding-DNA position 1682, G replaced by A.
Protein change: p.Arg561His; replaces arginine 561 with histidine.
Molecular consequence: missense variant.
Genome position (GRCh38, 1-based): chr4:20,532,052, G>A. VCF-style: chr4-20532052-G-A. GRCh37 (hg19) VCF-style: chr4-20533675-G-A.
Other names: c.1670G>A, p.Arg557His (NM_001289135.3); c.1658G>A, p.Arg553His (NM_001289136.3); short protein forms R553H, R557H, R561H.
Identifiers: ClinVar variation 3630582 (VCV003630582.2).